The following is an entry in ClinVar:

NM_006231.4(POLE):c.3061-2A>C

Gene: POLE (DNA polymerase epsilon, catalytic subunit; minus strand). Cytogenetic location: 12q24.33.
Variant type: single nucleotide variant.
Coding change: c.3061-2A>C on transcript NM_006231.4 (MANE Select); the canonical splice acceptor site of the intron before coding-DNA position 3061, A replaced by C.
Molecular consequence: splice acceptor variant.
Genome position (GRCh38, 1-based): chr12:132,659,511, T>G on the plus strand (A>C on the coding strand, the complement: POLE is on the minus strand). VCF-style: chr12-132659511-T-G. GRCh37 (hg19) VCF-style: chr12-133236097-T-G.
Identifiers: ClinVar variation 3646314 (VCV003646314.2).

ClinVar aggregate classification (germline): Likely pathogenic (1 of 4 stars; one submission).

Submission:

Labcorp Genetics (formerly Invitae), Labcorp
Classification: Likely pathogenic. Last evaluated: 2024-03-16. Review status: criteria provided, single submitter. Criteria: Invitae Variant Classification Sherloc (09022015). Collection method: clinical testing. Allele origin: germline.
Comment: This sequence change affects an acceptor splice site in intron 25 of the POLE gene. It is expected to disrupt RNA splicing. Variants that disrupt the donor or acceptor splice site typically lead to a loss of protein function (PMID: 16199547), and loss-of-function variants in POLE are known to be pathogenic (PMID: 23230001, 25948378, 30503519). This variant is not present in population databases (gnomAD no frequency). This variant has not been reported in the literature in individuals affected with POLE-related conditions. Algorithms developed to predict the effect of sequence changes on RNA splicing suggest that this variant may disrupt the consensus splice site. In summary, the currently available evidence indicates that the variant is pathogenic, but additional data are needed to prove that conclusively. Therefore, this variant has been classified as Likely Pathogenic.

Literature cited by the submitters: PubMed 16199547; PubMed 23230001; PubMed 25948378; PubMed 30503519.